The following is an entry in ClinVar:

NM_001031679.3(MSRB3):c.238GTT[1] (p.Val81del)

Gene: MSRB3 (methionine sulfoxide reductase B3; plus strand). Cytogenetic location: 12q14.3.
Variant type: Microsatellite.
Coding change: c.238GTT[1] on transcript NM_001031679.3 (MANE Select); one copy of the 3-base unit GTT starting at c.238; the reference has two copies in a row; one copy, 3 bases deleted; also written c.241_243del.
Protein change: p.Val81del; deletes valine 81.
Molecular consequence: inframe deletion.
Genome position (GRCh38, 1-based): chr12:65,328,581-65,328,583, GTT deleted; deleting any 3 consecutive bases within chr12:65,328,577-65,328,583 gives the same sequence; the position shown is the placement nearest the transcript's 3' end. VCF-style (leftmost placement, unchanged base first): chr12-65328576-GTGT-G. GRCh37 (hg19) VCF-style: chr12-65722356-GTGT-G.
Other names: c.238GTT[1], p.Val81del (NM_001193460.2, NM_001193461.2); c.259GTT[1], p.Val88del (NM_198080.4); c.241_243del (NM_001031679.3); short protein forms V81del, V88del.
Identifiers: ClinVar variation 1709362 (VCV001709362.2), dbSNP rs2499014007, ClinGen allele CA2580616816.
Genomic context (GRCh38, chr12:65,328,576, plus strand): 5'-TATTTATCAGTGCCTTTGAAGGAGAATACACACATCACAAAGATCCTGGAATATATAAAT[GTGT>G]TGTTTGTGGAACTCCATTGTTTAAGTAAGTATGTTGAAAACCTATAGGTATGGCTGTATC-3'

ClinVar aggregate classification (germline): Uncertain significance (1 of 4 stars; one submission).

Conditions:
Autosomal recessive nonsyndromic hearing loss 74. Identifiers: Orphanet 90636, MedGen C2239351, MONDO:0013386, OMIM 613718.

Submission:

MGZ Medical Genetics Center
Classification: Uncertain significance for Autosomal recessive nonsyndromic hearing loss 74. Last evaluated: 2022-05-05. Review status: criteria provided, single submitter. Criteria: ACMG Guidelines, 2015. Collection method: clinical testing. Allele origin: germline. Affected: yes. Observed: 2 variant alleles.
Comment: ACMG criteria applied: PM4, PM2_SUP